The following is an entry in ClinVar:

ClinVar aggregate classification (germline): Uncertain significance. Review status: criteria provided, multiple submitters, no conflicts (2 of 4 stars). 2 submissions from 2 submitters: Uncertain significance (2). Last evaluated 2025-11-08.

Allele frequency attached by ClinVar (database versions not stated): ExAC 0.00001; gnomAD 0.00001; gnomAD exomes 0.00001; TOPMed 0.00002.
gnomAD v4.1: 14 of 1,613,908 alleles (0.00087%); highest among the groups gnomAD compares: Admixed American, 0.0017%; no homozygotes.

Submissions (2):

Labcorp Genetics (formerly Invitae), Labcorp
Classification: Uncertain significance. Last evaluated: 2025-11-08. Review status: criteria provided, single submitter. Criteria: Invitae Variant Classification Sherloc (09022015). Collection method: clinical testing. Allele origin: germline.
Comment: This sequence change replaces serine, which is neutral and polar, with proline, which is neutral and non-polar, at codon 437 of the POC5 protein (p.Ser437Pro). This variant is present in population databases (rs776606152, gnomAD 0.003%). This variant has not been reported in the literature in individuals affected with POC5-related conditions. ClinVar contains an entry for this variant (Variation ID: 2191650). An algorithm developed to predict the effect of missense changes on protein structure and function (PolyPhen-2) suggests that this variant is likely to be disruptive. In summary, the available evidence is currently insufficient to determine the role of this variant in disease. Therefore, it has been classified as a Variant of Uncertain Significance.

Ambry Genetics
Classification: Uncertain significance. Last evaluated: 2024-09-11. Review status: criteria provided, single submitter. Criteria: Ambry Variant Classification Scheme 2023. Collection method: clinical testing. Allele origin: germline.

NM_001099271.2(POC5):c.1309T>C (p.Ser437Pro)

Gene: POC5 (POC5 centriolar protein; minus strand). Cytogenetic location: 5q13.3.
Variant type: single nucleotide variant.
Coding change: c.1309T>C on transcript NM_001099271.2 (MANE Select); coding-DNA position 1309, T replaced by C.
Protein change: p.Ser437Pro; replaces serine 437 with proline.
Molecular consequence: missense variant.
Genome position (GRCh38, 1-based): chr5:75,685,305, A>G on the plus strand (T>C on the coding strand, the complement: POC5 is on the minus strand). VCF-style: chr5-75685305-A-G. GRCh37 (hg19) VCF-style: chr5-74981130-A-G.
Other names: c.1234T>C, p.Ser412Pro (NM_152408.3); c.1309T>C (NM_001099271.1); short protein forms S437P, S412P.
Identifiers: ClinVar variation 2191650 (VCV002191650.5), dbSNP rs776606152, ClinGen allele CA3310348.